The following is an entry in ClinVar:

ClinVar aggregate classification (germline): Uncertain significance (1 of 4 stars; one submission).

Conditions:
Hereditary cancer-predisposing syndrome. Also called: Hereditary Cancer Syndrome; Hereditary neoplastic syndrome; Neoplastic Syndromes, Hereditary; Tumor predisposition. Identifiers: Orphanet 140162, MedGen C0027672, MeSH D009386, MONDO:0015356.

Submission:

Ambry Genetics
Classification: Uncertain significance for Hereditary cancer-predisposing syndrome. Last evaluated: 2022-08-18. Review status: criteria provided, single submitter. Criteria: Ambry Variant Classification Scheme 2023. Collection method: clinical testing. Allele origin: germline.
Comment: The p.S459R variant (also known as c.1375A>C), located in coding exon 9 of the MEN1 gene, results from an A to C substitution at nucleotide position 1375. The serine at codon 459 is replaced by arginine, an amino acid with dissimilar properties. This amino acid position is conserved. In addition, the in silico prediction for this alteration is inconclusive. Since supporting evidence is limited at this time, the clinical significance of this alteration remains unclear.

NM_001370259.2(MEN1):c.1375A>C (p.Ser459Arg)

Gene: MEN1 (menin 1; minus strand). Cytogenetic location: 11q13.1.
Variant type: single nucleotide variant.
Coding change: c.1375A>C on transcript NM_001370259.2 (MANE Select); coding-DNA position 1375, A replaced by C.
Protein change: p.Ser459Arg; replaces serine 459 with arginine.
Molecular consequence: missense variant.
Genome position (GRCh38, 1-based): chr11:64,804,792, T>G on the plus strand (A>C on the coding strand, the complement: MEN1 is on the minus strand). VCF-style: chr11-64804792-T-G. GRCh37 (hg19) VCF-style: chr11-64572264-T-G.
Other names: c.1390A>C, p.Ser464Arg (NM_000244.4, NM_001407145.1, NM_130800.3 and 4 more transcripts); c.1501A>C, p.Ser501Arg (NM_001370251.2, NM_001407142.1, NM_001407143.1 and 1 more transcripts); c.1375A>C, p.Ser459Arg (NM_001370260.2, NM_001370261.2, NM_001407146.1 and 2 more transcripts); c.1270A>C, p.Ser424Arg (NM_001370262.2, NM_001370263.2, NM_001407148.1 and 1 more transcripts); c.1516A>C, p.Ser506Arg (NM_001407150.1); c.1396A>C, p.Ser466Arg (NM_001407151.1); c.1210A>C, p.Ser404Arg (NM_001407152.1); short protein forms S424R, S466R, S459R, S506R, S404R, S464R, S501R.
Identifiers: ClinVar variation 1771127 (VCV001771127.2), dbSNP rs2136093673, ClinGen allele CA381179830.